The following is an entry in ClinVar:

NM_024529.5(CDC73):c.1303A>G (p.Met435Val)

Gene: CDC73 (cell division cycle 73; plus strand). Cytogenetic location: 1q31.2.
Variant type: single nucleotide variant.
Coding change: c.1303A>G on transcript NM_024529.5 (MANE Select); coding-DNA position 1303, A replaced by G.
Protein change: p.Met435Val; replaces methionine 435 with valine.
Molecular consequence: missense variant.
Genome position (GRCh38, 1-based): chr1:193,233,141, A>G. VCF-style: chr1-193233141-A-G. GRCh37 (hg19) VCF-style: chr1-193202271-A-G.
Other names: short protein forms M435V.
Identifiers: ClinVar variation 2724903 (VCV002724903.4), dbSNP rs1005313173, ClinGen allele CA344078045.

ClinVar aggregate classification (germline): Uncertain significance. Review status: criteria provided, multiple submitters, no conflicts (2 of 4 stars). 2 submissions from 2 submitters: Uncertain significance (2). Last evaluated 2025-01-30.

Conditions:
Parathyroid carcinoma (PRTC). Also called: CDC73-Related Parathyroid Carcinoma; Parathyroid gland carcinoma. Identifiers: Orphanet 143, MedGen C0687150, MONDO:0012004, OMIM 608266, HP:0006780.
Hereditary cancer-predisposing syndrome. Also called: Neoplastic Syndromes, Hereditary; Tumor predisposition; Hereditary neoplastic syndrome; Hereditary Cancer Syndrome. Identifiers: Orphanet 140162, MedGen C0027672, MeSH D009386, MONDO:0015356.

gnomAD v4.1: 1 of 1,612,284 alleles (0.000062%); highest among the groups gnomAD compares: Non-Finnish European, 0.000085%; no homozygotes.

Submissions (2):

Labcorp Genetics (formerly Invitae), Labcorp
Classification: Uncertain significance for Parathyroid carcinoma. Last evaluated: 2025-01-30. Review status: criteria provided, single submitter. Criteria: Invitae Variant Classification Sherloc (09022015). Collection method: clinical testing. Allele origin: germline.
Comment: This sequence change replaces methionine, which is neutral and non-polar, with valine, which is neutral and non-polar, at codon 435 of the CDC73 protein (p.Met435Val). This variant is not present in population databases (gnomAD no frequency). This variant has not been reported in the literature in individuals affected with CDC73-related conditions. ClinVar contains an entry for this variant (Variation ID: 2724903). Invitae Evidence Modeling of protein sequence and biophysical properties (such as structural, functional, and spatial information, amino acid conservation, physicochemical variation, residue mobility, and thermodynamic stability) indicates that this missense variant is not expected to disrupt CDC73 protein function with a negative predictive value of 80%. In summary, the available evidence is currently insufficient to determine the role of this variant in disease. Therefore, it has been classified as a Variant of Uncertain Significance.

Ambry Genetics
Classification: Uncertain significance for Hereditary cancer-predisposing syndrome. Last evaluated: 2023-09-25. Review status: criteria provided, single submitter. Criteria: Ambry Variant Classification Scheme 2023. Collection method: clinical testing. Allele origin: germline.
Comment: The p.M435V variant (also known as c.1303A>G), located in coding exon 14 of the CDC73 gene, results from an A to G substitution at nucleotide position 1303. The methionine at codon 435 is replaced by valine, an amino acid with highly similar properties. This amino acid position is conserved. In addition, this alteration is predicted to be tolerated by in silico analysis. Since supporting evidence is limited at this time, the clinical significance of this alteration remains unclear.